The following is an entry in ClinVar:

ClinVar aggregate classification (germline): Conflicting classifications of pathogenicity. Review status: criteria provided, conflicting classifications (1 of 4 stars). 5 submissions from 5 submitters: Uncertain significance (3); Likely benign (1). 1 of the submissions does not count toward it. Last evaluated 2025-11-27.

Conditions:
Hereditary cancer-predisposing syndrome. Also called: Hereditary Cancer Syndrome; Neoplastic Syndromes, Hereditary; Hereditary neoplastic syndrome; Tumor predisposition. Identifiers: Orphanet 140162, MedGen C0027672, MeSH D009386, MONDO:0015356.
Hereditary breast ovarian cancer syndrome. Also called: Breast and ovarian cancer; Hereditary breast and/or ovarian cancer syndrome; Hereditary breast and ovarian cancer; Hereditary breast and ovarian cancer syndrome; Hereditary breast and ovarian cancer syndrome (HBOC); BRCA1- and BRCA2-Associated Hereditary Breast and Ovarian Cancer. Identifiers: Orphanet 145, MedGen C0677776, MeSH D061325, MONDO:0003582. Disease mechanism: loss of function.
Breast-ovarian cancer, familial, susceptibility to, 2 (BROVCA2). Also called: BRCA2 Hereditary Breast and Ovarian Cancer. Identifiers: Orphanet 145, MedGen C2675520, MONDO:0012933, OMIM 612555. Disease mechanism: loss of function.

Submissions (5):

Labcorp Genetics (formerly Invitae), Labcorp
Classification: Uncertain significance for Hereditary breast ovarian cancer syndrome. Last evaluated: 2025-11-27. Review status: criteria provided, single submitter. Criteria: Invitae Variant Classification Sherloc (09022015). Collection method: clinical testing. Allele origin: germline.
Comment: This sequence change replaces leucine, which is neutral and non-polar, with isoleucine, which is neutral and non-polar, at codon 700 of the BRCA2 protein (p.Leu700Ile). This variant is not present in population databases (gnomAD no frequency). This variant has not been reported in the literature in individuals affected with BRCA2-related conditions. ClinVar contains an entry for this variant (Variation ID: 96777). Invitae Evidence Modeling of protein sequence and biophysical properties (such as structural, functional, and spatial information, amino acid conservation, physicochemical variation, residue mobility, and thermodynamic stability) indicates that this missense variant is not expected to disrupt BRCA2 protein function with a negative predictive value of 95%. In summary, the available evidence is currently insufficient to determine the role of this variant in disease. Therefore, it has been classified as a Variant of Uncertain Significance.

University of Washington Department of Laboratory Medicine, University of Washington
Classification: Likely benign for Hereditary cancer-predisposing syndrome. Last evaluated: 2023-03-23. Review status: criteria provided, single submitter. Criteria: Dines et al. (Genet Med. 2020). Collection method: curation. Allele origin: germline.
Comment: Missense variant in a coldspot region where missense variants are very unlikely to be pathogenic (PMID:31911673).

BRCA2 exon 11 coldspot. Reclassification based on statistical prior probability.

Ambry Genetics
Classification: Uncertain significance for Hereditary cancer-predisposing syndrome. Last evaluated: 2022-06-06. Review status: criteria provided, single submitter. Criteria: Ambry Variant Classification Scheme 2023. Collection method: clinical testing. Allele origin: germline.
Comment: The p.L700I variant (also known as c.2098T>A), located in coding exon 10 of the BRCA2 gene, results from a T to A substitution at nucleotide position 2098. The leucine at codon 700 is replaced by isoleucine, an amino acid with highly similar properties. This amino acid position is poorly conserved in available vertebrate species. In addition, this alteration is predicted to be tolerated by in silico analysis. Since supporting evidence is limited at this time, the clinical significance of this alteration remains unclear.

Color Diagnostics, LLC DBA Color Health
Classification: Uncertain significance for Hereditary cancer-predisposing syndrome. Last evaluated: 2019-05-04. Review status: criteria provided, single submitter. Criteria: ACMG Guidelines, 2015. Collection method: clinical testing. Allele origin: germline.

Sharing Clinical Reports Project (SCRP)
Classification: Uncertain significance for Breast-ovarian cancer, familial 2. Last evaluated: 2013-03-08. Review status: no assertion criteria provided. Collection method: clinical testing. Allele origin: germline. Not counted in ClinVar's aggregate classification.

NM_000059.4(BRCA2):c.2098T>A (p.Leu700Ile)

Gene: BRCA2 (BRCA2 DNA repair associated; plus strand). Cytogenetic location: 13q13.1.
Variant type: single nucleotide variant.
Coding change: c.2098T>A on transcript NM_000059.4 (MANE Select); coding-DNA position 2098, T replaced by A.
Protein change: p.Leu700Ile; replaces leucine 700 with isoleucine.
Molecular consequence: missense variant.
Genome position (GRCh38, 1-based): chr13:32,336,453, T>A. VCF-style: chr13-32336453-T-A. GRCh37 (hg19) VCF-style: chr13-32910590-T-A.
Other names: 2326T>A; short protein forms L700I.
Identifiers: ClinVar variation 96777 (VCV000096777.20), dbSNP rs431825293, ClinGen allele CA014347.